The following is an entry in ClinVar:

NM_001908.5(CTSB):c.76C>A (p.Leu26Met)

Genes: CTSB (cathepsin B), LOC121268921 (Sharpr-MPRA regulatory region 10233). Cytogenetic location: 8p23.1.
Variant type: single nucleotide variant.
Coding change: c.76C>A on transcript NM_001908.5 (MANE Select); coding-DNA position 76, C replaced by A.
Protein change: p.Leu26Met; replaces leucine 26 with methionine.
Molecular consequence: missense variant. On other transcripts: 5 prime UTR variant (1).
Genome position (GRCh38, 1-based): chr8:11,853,379, G>T on the plus strand (C>A on the coding strand, the complement: CTSB is on the minus strand). VCF-style: chr8-11853379-G-T. GRCh37 (hg19) VCF-style: chr8-11710888-G-T.
Other names: c.-178C>A (NM_001317237.2); c.76C>A, p.Leu26Met (NM_001384714.1, NM_001384723.1, NM_001384724.1 and 8 more transcripts); short protein forms L26M.
Identifiers: ClinVar variation 1365130 (VCV001365130.8), dbSNP rs12338, ClinGen allele CA4633202.

ClinVar aggregate classification (germline): Uncertain significance (1 of 4 stars; one submission).

gnomAD v4.1: 35 of 1,611,966 alleles (0.0022%); highest among the groups gnomAD compares: Admixed American, 0.028%; no homozygotes.

Submission:

Labcorp Genetics (formerly Invitae), Labcorp
Classification: Uncertain significance. Last evaluated: 2022-06-28. Review status: criteria provided, single submitter. Criteria: Invitae Variant Classification Sherloc (09022015). Collection method: clinical testing. Allele origin: germline.
Comment: In summary, the available evidence is currently insufficient to determine the role of this variant in disease. Therefore, it has been classified as a Variant of Uncertain Significance. Algorithms developed to predict the effect of missense changes on protein structure and function output the following: SIFT: "Not Available"; PolyPhen-2: "Benign"; Align-GVGD: "Not Available". The methionine amino acid residue is found in multiple mammalian species, which suggests that this missense change does not adversely affect protein function. This variant has not been reported in the literature in individuals affected with CTSB-related conditions. This variant is present in population databases (rs12338, gnomAD 0.01%). This sequence change replaces leucine, which is neutral and non-polar, with methionine, which is neutral and non-polar, at codon 26 of the CTSB protein (p.Leu26Met).